The following is an entry in ClinVar:

NM_001040108.2(MLH3):c.511G>T (p.Val171Phe)

Gene: MLH3 (mutL homolog 3; minus strand). Cytogenetic location: 14q24.3.
Variant type: single nucleotide variant.
Coding change: c.511G>T on transcript NM_001040108.2 (MANE Select); coding-DNA position 511, G replaced by T.
Protein change: p.Val171Phe; replaces valine 171 with phenylalanine.
Molecular consequence: missense variant.
Genome position (GRCh38, 1-based): chr14:75,049,145, C>A on the plus strand (G>T on the coding strand, the complement: MLH3 is on the minus strand). VCF-style: chr14-75049145-C-A. GRCh37 (hg19) VCF-style: chr14-75515848-C-A.
Other names: c.511G>T, p.Val171Phe (NM_014381.3); short protein forms V171F.
Identifiers: ClinVar variation 1392222 (VCV001392222.11), dbSNP rs2139604418, ClinGen allele CA390449999.

ClinVar aggregate classification (germline): Uncertain significance. Review status: criteria provided, multiple submitters, no conflicts (2 of 4 stars). 2 submissions from 2 submitters: Uncertain significance (2). Last evaluated 2024-12-08.

Conditions:
Colorectal cancer, hereditary nonpolyposis, type 7. Identifiers: Orphanet 144, MedGen C1858380, MONDO:0013725, OMIM 614385.

Allele frequency attached by ClinVar (database versions not stated): gnomAD exomes below 0.00001.
gnomAD v4.1: 1 of 1,614,160 alleles (0.000062%); highest among the groups gnomAD compares: Non-Finnish European, 0.000085%; no homozygotes.

Submissions (2):

Ambry Genetics
Classification: Uncertain significance. Last evaluated: 2024-12-08. Review status: criteria provided, single submitter. Criteria: Ambry Variant Classification Scheme 2023. Collection method: clinical testing. Allele origin: germline.
Comment: The p.V171F variant (also known as c.511G>T), located in coding exon 1 of the MLH3 gene, results from a G to T substitution at nucleotide position 511. The valine at codon 171 is replaced by phenylalanine, an amino acid with highly similar properties. This amino acid position is conserved. In addition, the in silico prediction for this alteration is inconclusive. Since supporting evidence is limited at this time, the clinical significance of this alteration remains unclear.

Labcorp Genetics (formerly Invitae), Labcorp
Classification: Uncertain significance for Colorectal cancer, hereditary nonpolyposis, type 7. Last evaluated: 2024-02-07. Review status: criteria provided, single submitter. Criteria: Invitae Variant Classification Sherloc (09022015). Collection method: clinical testing. Allele origin: germline.
Comment: This sequence change replaces valine, which is neutral and non-polar, with phenylalanine, which is neutral and non-polar, at codon 171 of the MLH3 protein (p.Val171Phe). This variant is not present in population databases (gnomAD no frequency). This variant has not been reported in the literature in individuals affected with MLH3-related conditions. ClinVar contains an entry for this variant (Variation ID: 1392222). An algorithm developed to predict the effect of missense changes on protein structure and function (PolyPhen-2) suggests that this variant is likely to be disruptive. In summary, the available evidence is currently insufficient to determine the role of this variant in disease. Therefore, it has been classified as a Variant of Uncertain Significance.